The following is an entry in ClinVar:

NM_005629.4(SLC6A8):c.1654G>A (p.Val552Met)

Gene: SLC6A8 (solute carrier family 6 member 8; plus strand). Cytogenetic location: Xq28.
Variant type: single nucleotide variant.
Coding change: c.1654G>A on transcript NM_005629.4 (MANE Select); coding-DNA position 1654, G replaced by A.
Protein change: p.Val552Met; replaces valine 552 with methionine.
Molecular consequence: missense variant.
Genome position (GRCh38, 1-based): chrX:153,694,776, G>A. VCF-style: chrX-153694776-G-A. GRCh37 (hg19) VCF-style: chrX-152960231-G-A.
Other names: c.1624G>A, p.Val542Met (NM_001142805.2); c.1309G>A, p.Val437Met (NM_001142806.1); short protein forms V437M, V542M, V552M.
Identifiers: ClinVar variation 1777322 (VCV001777322.3), dbSNP rs372567920, ClinGen allele CA415090756.

ClinVar aggregate classification (germline): Uncertain significance. Review status: criteria provided, multiple submitters, no conflicts (2 of 4 stars). 2 submissions from 2 submitters: Uncertain significance (2). Last evaluated 2025-11-17.

Conditions:
Creatine transporter deficiency (CCDS1). Also called: Mental retardation , X-linked with seizures, short stature and midface hypoplasia; Mental retardation , X-linked, with creatine transport deficiency; X-linked creatine transporter deficiency; X-linked creatine deficiency syndrome; SLC6A8-Related Creatine Transporter Deficiency; CREATINE TRANSPORTER DEFECT. Identifiers: Orphanet 52503, MedGen C1845862, MONDO:0010305, OMIM 300352.
Inborn genetic diseases. Identifiers: MedGen C0950123, MeSH D030342.

Allele frequency attached by ClinVar (database versions not stated): gnomAD exomes below 0.00001; gnomAD 0.00001.
gnomAD v4.1: 6 of 1,209,034 alleles (0.0005%); highest among the groups gnomAD compares: South Asian, 0.0018%; no homozygotes.

Submissions (2):

Labcorp Genetics (formerly Invitae), Labcorp
Classification: Uncertain significance for Creatine transporter deficiency. Last evaluated: 2025-11-17. Review status: criteria provided, single submitter. Criteria: Invitae Variant Classification Sherloc (09022015). Collection method: clinical testing. Allele origin: germline.
Comment: This sequence change replaces valine, which is neutral and non-polar, with methionine, which is neutral and non-polar, at codon 552 of the SLC6A8 protein (p.Val552Met). The frequency data for this variant in the population databases is considered unreliable, as metrics indicate poor data quality at this position in the gnomAD database. This variant has not been reported in the literature in individuals affected with SLC6A8-related conditions. ClinVar contains an entry for this variant (Variation ID: 1777322). Invitae Evidence Modeling of protein sequence and biophysical properties (such as structural, functional, and spatial information, amino acid conservation, physicochemical variation, residue mobility, and thermodynamic stability) indicates that this missense variant is not expected to disrupt SLC6A8 protein function with a negative predictive value of 95%. In summary, the available evidence is currently insufficient to determine the role of this variant in disease. Therefore, it has been classified as a Variant of Uncertain Significance.

Ambry Genetics
Classification: Uncertain significance for Inborn genetic diseases. Last evaluated: 2017-09-23. Review status: criteria provided, single submitter. Criteria: Ambry Variant Classification Scheme 2023. Collection method: clinical testing. Allele origin: germline.
Comment: The p.V552M variant (also known as c.1654G>A), located in coding exon 12 of the SLC6A8 gene, results from a G to A substitution at nucleotide position 1654. The valine at codon 552 is replaced by methionine, an amino acid with highly similar properties. In one study, a different alteration located at the same position, p.V552L (c.1654G>T), was found to have low residual creatine uptake activity compared to wild type (DesRoches CL et al. Gene, 2015 Jul;565:187-91). This amino acid position is well conserved in available vertebrate species. In addition, the p.V552M alteration is predicted to be benign and tolerated by PolyPhen and SIFT in silico analyses, respectively. Since supporting evidence is limited at this time, the clinical significance of this alteration remains unclear.

Literature cited by the submitters: PubMed 25861866 (cited by Ambry Genetics).